The following is an entry in ClinVar:

ClinVar aggregate classification (germline): Pathogenic (1 of 4 stars; one submission).

Conditions:
Aortic aneurysm, familial thoracic 4 (AAT4). Also called: AORTIC ANEURYSM/AORTIC DISSECTION AND PATENT DUCTUS ARTERIOSUS. Identifiers: MedGen C1851504, MONDO:0007568, OMIM 132900.

Submission:

Labcorp Genetics (formerly Invitae), Labcorp
Classification: Pathogenic for Aortic aneurysm, familial thoracic 4. Last evaluated: 2023-11-19. Review status: criteria provided, single submitter. Criteria: Invitae Variant Classification Sherloc (09022015). Collection method: clinical testing. Allele origin: germline.
Comment: This sequence change creates a premature translational stop signal (p.Gln1446*) in the MYH11 gene. It is expected to result in an absent or disrupted protein product. Loss-of-function variants in MYH11 are known to be pathogenic (PMID: 25407000, 29575632). This variant is not present in population databases (gnomAD no frequency). This variant has not been reported in the literature in individuals affected with MYH11-related conditions. For these reasons, this variant has been classified as Pathogenic.

Literature cited by the submitters: PubMed 25407000; PubMed 29575632.

NM_002474.3(MYH11):c.4315C>T (p.Gln1439Ter)

Genes: NDE1 (nudE neurodevelopment protein 1; plus strand), MYH11 (myosin heavy chain 11; minus strand). Cytogenetic location: 16p13.11.
Variant type: single nucleotide variant.
Coding change: c.4315C>T on transcript NM_002474.3 (MANE Select); coding-DNA position 4315, C replaced by T.
Protein change: p.Gln1439Ter; replaces glutamine 1439 with a stop codon.
Molecular consequence: nonsense.
Genome position (GRCh38, 1-based): chr16:15,724,211, G>A on the plus strand (C>T on the coding strand, the complement: MYH11 is on the minus strand). VCF-style: chr16-15724211-G-A. GRCh37 (hg19) VCF-style: chr16-15818068-G-A.
Other names: c.4336C>T, p.Gln1446Ter (NM_001040113.2, NM_001040114.2); c.4315C>T, p.Gln1439Ter (NM_022844.3); c.968G>A, p.Trp323Ter (NM_001143979.2, NM_017668.3); short protein forms Q1446*, Q1439*, W323*.
Identifiers: ClinVar variation 2809896 (VCV002809896.3), dbSNP rs566506678, ClinGen allele CA394856988.